The following is an entry in ClinVar:

ClinVar aggregate classification (germline): Uncertain significance. Review status: criteria provided, multiple submitters, no conflicts (2 of 4 stars). 3 submissions from 3 submitters: Uncertain significance (3). Last evaluated 2024-04-30.

Conditions:
Interstitial lung disease due to ABCA3 deficiency. Also called: PULMONARY ALVEOLAR PROTEINOSIS, CONGENITAL, 3. Identifiers: Orphanet 440402, MedGen C1970456, MONDO:0012582, OMIM 610921.
Hereditary pulmonary alveolar proteinosis. Also called: Pulmonary surfactant metabolism dysfunction. Identifiers: Orphanet 264675, MedGen C3711368, MONDO:0012580.

Allele frequency attached by ClinVar (database versions not stated): ExAC 0.00004; gnomAD exomes 0.00005; TOPMed 0.00007; ESP Exome Variant Server 0.00015.
gnomAD v4.1: 168 of 1,613,368 alleles (0.01%); highest among the groups gnomAD compares: Non-Finnish European, 0.013%; no homozygotes.

Submissions (3):

Labcorp Genetics (formerly Invitae), Labcorp
Classification: Uncertain significance. Last evaluated: 2024-04-30. Review status: criteria provided, single submitter. Criteria: Invitae Variant Classification Sherloc (09022015). Collection method: clinical testing. Allele origin: germline.
Comment: This sequence change replaces glutamic acid, which is acidic and polar, with lysine, which is basic and polar, at codon 1391 of the ABCA3 protein (p.Glu1391Lys). This variant is present in population databases (rs141744909, gnomAD 0.009%). This variant has not been reported in the literature in individuals affected with ABCA3-related conditions. ClinVar contains an entry for this variant (Variation ID: 887349). Advanced modeling of protein sequence and biophysical properties (such as structural, functional, and spatial information, amino acid conservation, physicochemical variation, residue mobility, and thermodynamic stability) performed at Invitae indicates that this missense variant is not expected to disrupt ABCA3 protein function with a negative predictive value of 80%. In summary, the available evidence is currently insufficient to determine the role of this variant in disease. Therefore, it has been classified as a Variant of Uncertain Significance.

Ambry Genetics
Classification: Uncertain significance for Hereditary pulmonary alveolar proteinosis. Last evaluated: 2022-02-02. Review status: criteria provided, single submitter. Criteria: Ambry Variant Classification Scheme 2023. Collection method: clinical testing. Allele origin: germline.
Comment: The p.E1391K variant (also known as c.4171G>A), located in coding exon 25 of the ABCA3 gene, results from a G to A substitution at nucleotide position 4171. The glutamic acid at codon 1391 is replaced by lysine, an amino acid with similar properties. This amino acid position is conserved. In addition, this alteration is predicted to be tolerated by in silico analysis. Since supporting evidence is limited at this time, the clinical significance of this alteration remains unclear.

Illumina Laboratory Services, Illumina
Classification: Uncertain significance for Interstitial lung disease due to ABCA3 deficiency. Last evaluated: 2018-01-12. Review status: criteria provided, single submitter. Criteria: ICSL Variant Classification Criteria 13 December 2019. Collection method: clinical testing. Allele origin: germline.

NM_001089.3(ABCA3):c.4171G>A (p.Glu1391Lys)

Gene: ABCA3 (ATP binding cassette subfamily A member 3; minus strand). Cytogenetic location: 16p13.3.
Variant type: single nucleotide variant.
Coding change: c.4171G>A on transcript NM_001089.3 (MANE Select); coding-DNA position 4171, G replaced by A.
Protein change: p.Glu1391Lys; replaces glutamic acid 1391 with lysine.
Molecular consequence: missense variant.
Genome position (GRCh38, 1-based): chr16:2,281,215, C>T on the plus strand (G>A on the coding strand, the complement: ABCA3 is on the minus strand). VCF-style: chr16-2281215-C-T. GRCh37 (hg19) VCF-style: chr16-2331216-C-T.
Other names: short protein forms E1391K.
Identifiers: ClinVar variation 887349 (VCV000887349.7), dbSNP rs141744909, ClinGen allele CA7840213.
Genomic context (GRCh38, chr16:2,281,215, plus strand): 5'-ACTCCCCTTTCTGCACCGCGAGGGAGAGCCTGTCCACGGCCAGGAGGGGCACCCGCTGCT[C>T]GTACACCTGCAGGCACCCAACAGAAAACACGGAATGCGGAGGCCTGGACGCAAAGCAGAG-3'
Protein context (NP_001080.2, residues 1381-1401): LIIKELSKVY[Glu1391Lys]QRVPLLAVDR